The following is an entry in ClinVar:

NM_025074.7(FRAS1):c.*808C>T

Gene: FRAS1 (Fraser extracellular matrix complex subunit 1; plus strand). Cytogenetic location: 4q21.21.
Variant type: single nucleotide variant.
Coding change: c.*808C>T on transcript NM_025074.7 (MANE Select); 808 bases downstream of the stop codon, C replaced by T.
Molecular consequence: 3 prime UTR variant.
Genome position (GRCh38, 1-based): chr4:78,541,932, C>T. VCF-style: chr4-78541932-C-T. GRCh37 (hg19) VCF-style: chr4-79463086-C-T.
Identifiers: ClinVar variation 349840 (VCV000349840.5), dbSNP rs59820455, ClinGen allele CA10621768.

ClinVar aggregate classification (germline): Benign (1 of 4 stars; one submission).

Conditions:
Fraser syndrome 1 (FRASRS1). Also called: CRYPTOPHTHALMOS WITH OTHER MALFORMATIONS. Identifiers: Orphanet 2052, MedGen C4551480, MONDO:0054737, OMIM 219000.

Allele frequency attached by ClinVar (database versions not stated): TOPMed 0.00599; 1000 Genomes Project 0.00679; 1000 Genomes Project 30x 0.00765.

Submission:

Illumina Laboratory Services, Illumina
Classification: Benign for Fraser syndrome 1. Last evaluated: 2018-01-13. Review status: criteria provided, single submitter. Criteria: ICSL Variant Classification Criteria 13 December 2019. Collection method: clinical testing. Allele origin: germline.
Comment: This variant was observed in the ICSL laboratory as part of a predisposition screen in an ostensibly healthy population. It had not been previously curated by ICSL or reported in the Human Gene Mutation Database (HGMD: prior to June 1st, 2018), and was therefore a candidate for classification through an automated scoring system. Utilizing variant allele frequency, disease prevalence and penetrance estimates, and inheritance mode, an automated score was calculated to assess if this variant is too frequent to cause the disease. Based on the score and internal cut-off values, a variant classified as benign is not then subjected to further curation. The score for this variant resulted in a classification of benign for this disease.